The following is an entry in ClinVar:

NM_000368.5(TSC1):c.1163T>G (p.Leu388Arg)

Gene: TSC1 (TSC complex subunit 1; minus strand). Cytogenetic location: 9q34.13.
Variant type: single nucleotide variant.
Coding change: c.1163T>G on transcript NM_000368.5 (MANE Select); coding-DNA position 1163, T replaced by G.
Protein change: p.Leu388Arg; replaces leucine 388 with arginine.
Molecular consequence: missense variant. On other transcripts: non-coding transcript variant (5).
Genome position (GRCh38, 1-based): chr9:132,910,671, A>C on the plus strand (T>G on the coding strand, the complement: TSC1 is on the minus strand). VCF-style: chr9-132910671-A-C. GRCh37 (hg19) VCF-style: chr9-135786058-A-C.
Other names: c.1160T>G, p.Leu387Arg (NM_001162426.2, NM_001406600.1, NM_001406603.1 and 6 more transcripts); c.1163T>G, p.Leu388Arg (NM_001406601.1, NM_001406602.1, NM_001406605.1 and 7 more transcripts); c.800T>G, p.Leu267Arg (NM_001406619.1, NM_001362177.2, NM_001406614.1 and 5 more transcripts); c.797T>G, p.Leu266Arg (NM_001406620.1, NM_001406621.1, NM_001406622.1 and 2 more transcripts); c.1010T>G, p.Leu337Arg (NM_001162427.2, NM_001406610.1); c.1007T>G, p.Leu336Arg (NM_001406611.1, NM_001406612.1, NM_001406613.1); c.212T>G, p.Leu71Arg (NM_001406626.1); c.209T>G, p.Leu70Arg (NM_001406627.1, NM_001406628.1); and 1 more; short protein forms L266R, L267R, L336R, L337R, L37R, L387R, L388R, L70R.
Identifiers: ClinVar variation 3075529 (VCV003075529.2), dbSNP rs377598226, ClinGen allele CA375367146.

ClinVar aggregate classification (germline): Uncertain significance. Review status: criteria provided, multiple submitters, no conflicts (2 of 4 stars). 2 submissions from 2 submitters: Uncertain significance (2). Last evaluated 2025-01-03.

Conditions:
Hereditary cancer-predisposing syndrome. Also called: Tumor predisposition; Hereditary Cancer Syndrome; Hereditary neoplastic syndrome; Neoplastic Syndromes, Hereditary. Identifiers: Orphanet 140162, MedGen C0027672, MeSH D009386, MONDO:0015356.
Tuberous sclerosis syndrome (TSC). Also called: Tuberous sclerosis; Tuberous Sclerosis Complex. Identifiers: Orphanet 805, MedGen C0041341, MONDO:0001734.

gnomAD v4.1: 4 of 1,613,996 alleles (0.00025%); highest among the groups gnomAD compares: Non-Finnish European, 0.00034%; no homozygotes.

Submissions (2):

Ambry Genetics
Classification: Uncertain significance for Hereditary cancer-predisposing syndrome. Last evaluated: 2025-01-03. Review status: criteria provided, single submitter. Criteria: Ambry Variant Classification Scheme 2023. Collection method: clinical testing. Allele origin: germline.
Comment: The p.L388R variant (also known as c.1163T>G), located in coding exon 10 of the TSC1 gene, results from a T to G substitution at nucleotide position 1163. The leucine at codon 388 is replaced by arginine, an amino acid with dissimilar properties. This amino acid position is well conserved in available vertebrate species. In addition, the in silico prediction for this alteration is inconclusive. Based on the available evidence, the clinical significance of this variant remains unclear.

All of Us Research Program, National Institutes of Health
Classification: Uncertain significance for Tuberous sclerosis syndrome. Last evaluated: 2023-07-10. Review status: criteria provided, single submitter. Criteria: ACMG Guidelines, 2015. Collection method: clinical testing. Allele origin: germline. Inheritance: Autosomal dominant inheritance. Observed: 1 variant allele, 1 heterozygote.
Comment: This missense variant replaces leucine with arginine at codon 388 of the TSC1 protein. Computational prediction suggests that this variant may not impact protein structure and function (internally defined REVEL score threshold <= 0.5, PMID: 27666373). To our knowledge, functional studies have not been reported for this variant. This variant has not been reported in individuals affected with hereditary cancer in the literature. This variant has not been identified in the general population by the Genome Aggregation Database (gnomAD). The available evidence is insufficient to determine the role of this variant in disease conclusively. Therefore, this variant is classified as a Variant of Uncertain Significance.

This study involves interpretation of variants in research participants for the purpose of population health screening. Participant phenotype was not available at the time of variant classification. Additional details can be found in publication PMID: 35346344, PMCID: PMC8962531